The following is an entry in ClinVar:

ClinVar aggregate classification (germline): Uncertain significance (1 of 4 stars; one submission).

Allele frequency attached by ClinVar (database versions not stated): gnomAD exomes below 0.00001.

Submission:

GeneDx
Classification: Uncertain significance. Last evaluated: 2022-05-13. Review status: criteria provided, single submitter. Criteria: GeneDx Variant Classification Process June 2021. Collection method: clinical testing. Allele origin: germline. Affected: yes.
Comment: Not observed at significant frequency in large population cohorts (gnomAD); In silico analysis supports that this missense variant does not alter protein structure/function; Has not been previously published as pathogenic or benign to our knowledge

NM_000748.3(CHRNB2):c.1168T>A (p.Phe390Ile)

Gene: CHRNB2 (cholinergic receptor nicotinic beta 2 subunit; plus strand). Cytogenetic location: 1q21.3.
Variant type: single nucleotide variant.
Coding change: c.1168T>A on transcript NM_000748.3 (MANE Select); coding-DNA position 1168, T replaced by A.
Protein change: p.Phe390Ile; replaces phenylalanine 390 with isoleucine.
Molecular consequence: missense variant.
Genome position (GRCh38, 1-based): chr1:154,571,991, T>A. VCF-style: chr1-154571991-T-A. GRCh37 (hg19) VCF-style: chr1-154544467-T-A.
Other names: short protein forms F390I.
Identifiers: ClinVar variation 1723576 (VCV001723576.2), dbSNP rs1557852135, ClinGen allele CA342631620.